The following is an entry in ClinVar:

NM_024513.4(FYCO1):c.2294G>A (p.Arg765His)

Gene: FYCO1 (FYVE and coiled-coil domain autophagy adaptor 1; minus strand). Cytogenetic location: 3p21.31.
Variant type: single nucleotide variant.
Coding change: c.2294G>A on transcript NM_024513.4 (MANE Select); coding-DNA position 2294, G replaced by A.
Protein change: p.Arg765His; replaces arginine 765 with histidine.
Molecular consequence: missense variant.
Genome position (GRCh38, 1-based): chr3:45,967,040, C>T on the plus strand (G>A on the coding strand, the complement: FYCO1 is on the minus strand). VCF-style: chr3-45967040-C-T. GRCh37 (hg19) VCF-style: chr3-46008532-C-T.
Other names: short protein forms R765H.
Identifiers: ClinVar variation 468440 (VCV000468440.20), dbSNP rs34266136, ClinGen allele CA2353080.

ClinVar aggregate classification (germline): Benign/Likely benign. Review status: criteria provided, multiple submitters, no conflicts (2 of 4 stars). 5 submissions from 5 submitters: Benign (2); Likely benign (2). 1 of the submissions does not count toward it. Last evaluated 2025-12-22.

Conditions:
FYCO1-related disorder. Also called: FYCO1-related condition.
Cataract 18 (CATC2). Also called: CATARACT 18, AUTOSOMAL RECESSIVE. Identifiers: Orphanet 91492, Orphanet 98991, Orphanet 98992, Orphanet 98995, MedGen C1864908, MONDO:0012395, OMIM 610019.

Allele frequency attached by ClinVar (database versions not stated): gnomAD exomes 0.00088 and 0.00215; ExAC 0.00253; gnomAD 0.00784 and 0.00838; ESP Exome Variant Server 0.00869; TOPMed 0.00921; 1000 Genomes Project 30x 0.00937; 1000 Genomes Project 0.00958.
gnomAD v4.1: 2,533 of 1,613,492 alleles (0.16%); highest among the groups gnomAD compares: African/African-American, 2.9%; 47 homozygotes.

Submissions (5):

Labcorp Genetics (formerly Invitae), Labcorp
Classification: Benign for Cataract 18. Last evaluated: 2025-12-22. Review status: criteria provided, single submitter. Criteria: Invitae Variant Classification Sherloc (09022015). Collection method: clinical testing. Allele origin: germline.

GeneDx
Classification: Likely benign. Last evaluated: 2021-06-22. Review status: criteria provided, single submitter. Criteria: GeneDx Variant Classification Process June 2021. Collection method: clinical testing. Allele origin: germline. Affected: yes.

Illumina Laboratory Services, Illumina
Classification: Benign for Cataract 18. Last evaluated: 2018-01-13. Review status: criteria provided, single submitter. Criteria: ICSL Variant Classification Criteria 13 December 2019. Collection method: clinical testing. Allele origin: germline.
Comment: This variant was observed in the ICSL laboratory as part of a predisposition screen in an ostensibly healthy population. It had not been previously curated by ICSL or reported in the Human Gene Mutation Database (HGMD: prior to June 1st, 2018), and was therefore a candidate for classification through an automated scoring system. Utilizing variant allele frequency, disease prevalence and penetrance estimates, and inheritance mode, an automated score was calculated to assess if this variant is too frequent to cause the disease. Based on the score and internal cut-off values, a variant classified as benign is not then subjected to further curation. The score for this variant resulted in a classification of benign for this disease.

Breakthrough Genomics
Classification: Likely benign. Review status: criteria provided, single submitter. Criteria: ACMG Guidelines, 2015. Collection method: not provided. Allele origin: germline. Inheritance: Autosomal recessive inheritance. Affected: yes.

PreventionGenetics, part of Exact Sciences
Classification: Benign for FYCO1-related condition. Last evaluated: 2020-06-08. Review status: no assertion criteria provided. Collection method: clinical testing. Allele origin: germline. Not counted in ClinVar's aggregate classification.
Comment: This variant is classified as benign based on ACMG/AMP sequence variant interpretation guidelines (Richards et al. 2015 PMID: 25741868, with internal and published modifications).